The following is an entry in ClinVar:

NM_000275.3(OCA2):c.1773_1774insT (p.Thr592fs)

Gene: OCA2 (OCA2 melanosomal transmembrane protein; minus strand). Cytogenetic location: 15q13.1.
Variant type: Insertion.
Coding change: c.1773_1774insT on transcript NM_000275.3 (MANE Select); coding-DNA positions 1773 to 1774, T inserted.
Protein change: p.Thr592fs; shifts the reading frame from threonine 592.
Molecular consequence: frameshift variant.
Genome position: GRCh38 VCF-style: chr15-27957598-T-TA. GRCh37 (hg19) VCF-style: chr15-28202744-T-TA.
Other names: c.1701_1702insT, p.Thr568fs (NM_001300984.2); short protein forms T592fs, T568fs.
Identifiers: ClinVar variation 2700603 (VCV002700603.4), dbSNP rs1272465233, ClinGen allele CA616709644.
Genomic context (GRCh38, chr15:27,957,598, plus strand): 5'-AATGTTCTGCTGCACACCAAGCACAGTCTGAGCAGGACCCCGCCCGGTACCTGTGGAAGG[T>TA]GTGCAGCCTCCGGGCGAGCAGGTGCTCCAGTGCCAGCACCTTCCCCAGCAGCAGGCGGCG-3'

ClinVar aggregate classification (germline): Pathogenic. Review status: criteria provided, multiple submitters, no conflicts (2 of 4 stars). 2 submissions from 2 submitters: Pathogenic (2). Last evaluated 2026-03-19.

Conditions:
Tyrosinase-positive oculocutaneous albinism (OCA2). Also called: Oculocutaneous albinism type 2; ALBINISM II; Albinism, oculocutaneous, type II. Identifiers: Orphanet 79432, MedGen C0268495, MONDO:0008746, OMIM 203200.

Allele frequency attached by ClinVar (database versions not stated): gnomAD exomes 0.00001.

Submissions (2):

Myriad Genetics, Inc.
Classification: Pathogenic for Tyrosinase-positive oculocutaneous albinism. Last evaluated: 2026-03-19. Review status: criteria provided, single submitter. Criteria: Myriad Autosomal Dominant, Autosomal Recessive and X-Linked Classification Criteria (2023). Collection method: clinical testing. Allele origin: unknown.
Comment: NM_000275.2(OCA2):c.1773_1774insT(T592Yfs*25) is expected to be pathogenic in the context of oculocutaneous albinism, OCA2-related. This variant is predicted to lead to an abnormal or absent protein product due to the creation of a premature termination codon in OCA2, a gene where loss-of-function variants are known to be pathogenic. Please note: this variant was assessed in the context of healthy population screening.

Labcorp Genetics (formerly Invitae), Labcorp
Classification: Pathogenic. Last evaluated: 2023-12-20. Review status: criteria provided, single submitter. Criteria: Invitae Variant Classification Sherloc (09022015). Collection method: clinical testing. Allele origin: germline.
Comment: This sequence change creates a premature translational stop signal (p.Thr592Tyrfs*25) in the OCA2 gene. It is expected to result in an absent or disrupted protein product. Loss-of-function variants in OCA2 are known to be pathogenic (PMID: 19865097, 21541274). This variant is present in population databases (no rsID available, gnomAD 0.0009%). This variant has not been reported in the literature in individuals affected with OCA2-related conditions. For these reasons, this variant has been classified as Pathogenic.

Literature cited by the submitters: PubMed 19865097 (cited by Labcorp Genetics (formerly Invitae), Labcorp); PubMed 21541274 (cited by Labcorp Genetics (formerly Invitae), Labcorp).